The following is an entry in ClinVar:

NM_001134831.2(AHI1):c.2623+4A>G

Gene: AHI1 (Abelson helper integration site 1; minus strand). Cytogenetic location: 6q23.3.
Variant type: single nucleotide variant.
Coding change: c.2623+4A>G on transcript NM_001134831.2 (MANE Select); 4 bases into the intron after coding-DNA position 2623, A replaced by G.
Molecular consequence: intron variant.
Genome position (GRCh38, 1-based): chr6:135,428,625, T>C on the plus strand (A>G on the coding strand, the complement: AHI1 is on the minus strand). VCF-style: chr6-135428625-T-C. GRCh37 (hg19) VCF-style: chr6-135749763-T-C.
Other names: c.2623+4A>G (NM_001134830.2, NM_001350503.2, NM_017651.5 and 2 more transcripts).
Identifiers: ClinVar variation 957925 (VCV000957925.8), dbSNP rs766458098, ClinGen allele CA4012332.

ClinVar aggregate classification (germline): Uncertain significance (1 of 4 stars; one submission).

Conditions:
Joubert syndrome. Also called: Familial aplasia of the vermis; CEREBELLOPARENCHYMAL DISORDER IV; JOUBERT-BOLTSHAUSER SYNDROME. Identifiers: Orphanet 475, MedGen C5979921, MONDO:0018772.

Allele frequency attached by ClinVar (database versions not stated): gnomAD exomes below 0.00001; ExAC 0.00001; gnomAD 0.00001.
gnomAD v4.1: 3 of 1,596,130 alleles (0.00019%); highest among the groups gnomAD compares: Non-Finnish European, 0.00026%; no homozygotes.

Submission:

Labcorp Genetics (formerly Invitae), Labcorp
Classification: Uncertain significance for Joubert syndrome. Last evaluated: 2022-07-05. Review status: criteria provided, single submitter. Criteria: Invitae Variant Classification Sherloc (09022015). Collection method: clinical testing. Allele origin: germline.
Comment: This variant is present in population databases (rs766458098, gnomAD 0.0009%). This sequence change falls in intron 18 of the AHI1 gene. It does not directly change the encoded amino acid sequence of the AHI1 protein. It affects a nucleotide within the consensus splice site. This variant has not been reported in the literature in individuals affected with AHI1-related conditions. ClinVar contains an entry for this variant (Variation ID: 957925). Variants that disrupt the consensus splice site are a relatively common cause of aberrant splicing (PMID: 17576681, 9536098). Algorithms developed to predict the effect of sequence changes on RNA splicing suggest that this variant may disrupt the consensus splice site. In summary, the available evidence is currently insufficient to determine the role of this variant in disease. Therefore, it has been classified as a Variant of Uncertain Significance.

Literature cited by the submitters: PubMed 17576681; PubMed 9536098.